The following is an entry in ClinVar:

ClinVar aggregate classification (germline): Uncertain significance (1 of 4 stars; one submission).

Conditions:
Hereditary cancer-predisposing syndrome. Also called: Neoplastic Syndromes, Hereditary; Tumor predisposition; Hereditary neoplastic syndrome; Hereditary Cancer Syndrome. Identifiers: Orphanet 140162, MedGen C0027672, MeSH D009386, MONDO:0015356.

Submission:

Ambry Genetics
Classification: Uncertain significance for Hereditary cancer-predisposing syndrome. Last evaluated: 2026-07-27. Review status: criteria provided, single submitter. Criteria: Ambry Variant Classification Scheme 2023. Collection method: clinical testing. Allele origin: germline.
Comment: The p.S201G variant (also known as c.601A>G), located in coding exon 3 of the RET gene, results from an A to G substitution at nucleotide position 601. The serine at codon 201 is replaced by glycine, an amino acid with similar properties. This amino acid position is conserved. In addition, this alteration is predicted to be tolerated by in silico analysis. Based on the available evidence, the clinical significance of this variant remains unclear.

NM_020975.6(RET):c.601A>G (p.Ser201Gly)

Gene: RET (ret proto-oncogene; plus strand). Cytogenetic location: 10q11.21.
Variant type: single nucleotide variant.
Coding change: c.601A>G on transcript NM_020975.6 (MANE Select); coding-DNA position 601, A replaced by G.
Protein change: p.Ser201Gly; replaces serine 201 with glycine.
Molecular consequence: missense variant. On other transcripts: intron variant (15).
Genome position (GRCh38, 1-based): chr10:43,102,605, A>G. VCF-style: chr10-43102605-A-G. GRCh37 (hg19) VCF-style: chr10-43598053-A-G.
Other names: c.601A>G, p.Ser201Gly (NM_001406743.1, NM_001406744.1, NM_001406759.1 and 14 more transcripts); c.472A>G, p.Ser158Gly (NM_001406761.1, NM_001406762.1, NM_001406764.1 and 4 more transcripts); c.337+1883A>G (NM_001406770.1, NM_001406766.1, NM_001406767.1 and 8 more transcripts); c.74-6426A>G (NM_001406784.1); c.74-9494A>G (NM_001406794.1, NM_001406792.1, NM_001406793.1); short protein forms S201G, S158G.
Identifiers: ClinVar variation 5028192 (VCV005028192.1).
Genomic context (GRCh38, chr10:43,102,605, plus strand): 5'-CCCCCAGGCACCTTCCACCAGTTCCGCCTGCTGCCTGTGCAGTTCTTGTGCCCCAACATC[A>G]GCGTGGCCTACAGGCTCCTGGAGGGTGAGTGCCGACCTTGTGGGGCCGCCCCACAGTGCC-3'
Protein context (NP_066124.1, residues 191-211): LPVQFLCPNI[Ser201Gly]VAYRLLEGEG